The following is an entry in ClinVar:

NM_001903.5(CTNNA1):c.1117A>G (p.Lys373Glu)

Gene: CTNNA1 (catenin alpha 1; plus strand). Cytogenetic location: 5q31.2.
Variant type: single nucleotide variant.
Coding change: c.1117A>G on transcript NM_001903.5 (MANE Select); coding-DNA position 1117, A replaced by G.
Protein change: p.Lys373Glu; replaces lysine 373 with glutamic acid.
Molecular consequence: missense variant. On other transcripts: intron variant (2), 5 prime UTR variant (5).
Genome position (GRCh38, 1-based): chr5:138,886,266, A>G. VCF-style: chr5-138886266-A-G. GRCh37 (hg19) VCF-style: chr5-138221955-A-G.
Other names: c.1117A>G, p.Lys373Glu (NM_001323984.2, NM_001323985.2, NM_001323986.2 and 3 more transcripts); c.7A>G, p.Lys3Glu (NM_001323987.1, NM_001323988.1, NM_001323989.1 and 18 more transcripts); c.-61+10669A>G (NM_001324010.1); c.-391A>G (NM_001324006.1, NM_001324007.1, NM_001324008.1 and 1 more transcripts); c.-266A>G (NM_001324013.1); c.-58+10669A>G (NM_001324012.1); c.808A>G, p.Lys270Glu (NM_001290309.3); c.748A>G, p.Lys250Glu (NM_001290310.3); short protein forms K250E, K270E, K373E, K3E.
Identifiers: ClinVar variation 4869471 (VCV004869471.1).
Genomic context (GRCh38, chr5:138,886,266, plus strand): 5'-ATCCAGGCTGGACGTAAAGAAAGAAGTGATGCACTCAATTCTGCAATAGATAAAATGACC[A>G]AGAAGACCAGGGACTTGCGTAGACAGGTAATCTGGATGAAAGTGCTGATTGTTTTTCTAA-3'
Protein context (NP_001894.2, residues 363-383): ALNSAIDKMT[Lys373Glu]KTRDLRRQLR

ClinVar aggregate classification (germline): Uncertain significance (1 of 4 stars; one submission).

Conditions:
Hereditary cancer-predisposing syndrome. Also called: Neoplastic Syndromes, Hereditary; Tumor predisposition; Hereditary Cancer Syndrome; Hereditary neoplastic syndrome. Identifiers: Orphanet 140162, MedGen C0027672, MeSH D009386, MONDO:0015356.

Submission:

Ambry Genetics
Classification: Uncertain significance for Hereditary cancer-predisposing syndrome. Last evaluated: 2026-04-12. Review status: criteria provided, single submitter. Criteria: Ambry Variant Classification Scheme 2023. Collection method: clinical testing. Allele origin: germline.
Comment: The p.K373E variant (also known as c.1117A>G), located in coding exon 7 of the CTNNA1 gene, results from an A to G substitution at nucleotide position 1117. The lysine at codon 373 is replaced by glutamic acid, an amino acid with similar properties. This amino acid position is conserved. In addition, this alteration is predicted to be tolerated by in silico analysis. Based on the available evidence, the clinical significance of this variant remains unclear.